The following is an entry in ClinVar:

ClinVar aggregate classification (germline): Uncertain significance (1 of 4 stars; one submission).

Conditions:
Hereditary pancreatitis (PCTT). Also called: Hereditary chronic pancreatitis; PRSS1-Related Hereditary Pancreatitis. Identifiers: Orphanet 676, MedGen C0238339, MONDO:0008185, OMIM 167800.

Submission:

Ambry Genetics
Classification: Uncertain significance for Hereditary pancreatitis. Last evaluated: 2024-04-25. Review status: criteria provided, single submitter. Criteria: Ambry Variant Classification Scheme 2023. Collection method: clinical testing. Allele origin: germline.
Comment: The p.G61E variant (also known as c.182G>A), located in coding exon 3 of the CTRC gene, results from a G to A substitution at nucleotide position 182. The glycine at codon 61 is replaced by glutamic acid, an amino acid with similar properties. This amino acid position is highly conserved in available vertebrate species. In addition, this alteration is predicted to be deleterious by in silico analysis. Based on the available evidence, the clinical significance of this variant remains unclear.

NM_007272.3(CTRC):c.182G>A (p.Gly61Glu)

Gene: CTRC (chymotrypsin C; plus strand). Cytogenetic location: 1p36.21.
Variant type: single nucleotide variant.
Coding change: c.182G>A on transcript NM_007272.3 (MANE Select); coding-DNA position 182, G replaced by A.
Protein change: p.Gly61Glu; replaces glycine 61 with glutamic acid.
Molecular consequence: missense variant.
Genome position (GRCh38, 1-based): chr1:15,440,542, G>A. VCF-style: chr1-15440542-G-A. GRCh37 (hg19) VCF-style: chr1-15767038-G-A.
Other names: short protein forms G61E.
Identifiers: ClinVar variation 3270182 (VCV003270182.1).